The following is an entry in ClinVar:

ClinVar aggregate classification (germline): Uncertain significance. Review status: criteria provided, multiple submitters, no conflicts (2 of 4 stars). 3 submissions from 3 submitters: Uncertain significance (3). Last evaluated 2024-03-06.

Conditions:
Catecholaminergic polymorphic ventricular tachycardia 1. Also called: VENTRICULAR TACHYCARDIA, CATECHOLAMINERGIC POLYMORPHIC, 1, WITH OR WITHOUT ATRIAL DYSFUNCTION AND/OR DILATED CARDIOMYOPATHY; RYR2-Related Catecholaminergic Polymorphic Ventricular Tachycardia; VENTRICULAR TACHYCARDIA, STRESS-INDUCED POLYMORPHIC 1. Identifiers: Orphanet 3286, MedGen C1631597, MONDO:0011484, OMIM 604772.
Cardiomyopathy (CMYO). Also called: Cardiomyopathies. Identifiers: Orphanet 167848, MedGen C0878544, MONDO:0004994, HP:0001638. Inheritance: Various modes of inheritance.
Long QT syndrome 1 (LQT1). Identifiers: Orphanet 101016, Orphanet 768, MedGen C4551647, MONDO:0100316, OMIM 192500, MONDO:0008646.

gnomAD v4.1: 1 of 1,613,888 alleles (0.000062%); highest among the groups gnomAD compares: Non-Finnish European, 0.000085%; no homozygotes.

Submissions (3):

Color Diagnostics, LLC DBA Color Health
Classification: Uncertain significance for Cardiomyopathy. Last evaluated: 2024-03-06. Review status: criteria provided, single submitter. Criteria: ACMG Guidelines, 2015. Collection method: clinical testing. Allele origin: germline.
Comment: This missense variant replaces methionine with leucine at codon 3235 of the RYR2 protein. Computational prediction tool suggests that this variant may not impact protein structure and function (internally defined REVEL score threshold <=0.5, PMID: 27666373). Splice site prediction tools suggest that this variant may not impact RNA splicing. To our knowledge, functional studies have not been performed for this variant. This variant has not been reported in individuals affected with cardiovascular disorders in the literature. This variant has not been identified in the general population by the Genome Aggregation Database (gnomAD). The available evidence is insufficient to determine the role of this variant in disease conclusively. Therefore, this variant is classified as a Variant of Uncertain Significance.

Molecular Diagnostic Laboratory for Inherited Cardiovascular Disease, Montreal Heart Institute
Classification: Uncertain significance for Long QT syndrome 1. Last evaluated: 2020-01-29. Review status: criteria provided, single submitter. Criteria: ACMG Guidelines, 2015. Collection method: clinical testing. Allele origin: germline. Affected: yes.

Labcorp Genetics (formerly Invitae), Labcorp
Classification: Uncertain significance for Catecholaminergic polymorphic ventricular tachycardia 1. Last evaluated: 2019-09-19. Review status: criteria provided, single submitter. Criteria: Invitae Variant Classification Sherloc (09022015). Collection method: clinical testing. Allele origin: germline.
Comment: This sequence change replaces methionine with leucine at codon 3235 of the RYR2 protein (p.Met3235Leu). The methionine residue is highly conserved and there is a small physicochemical difference between methionine and leucine. This variant is not present in population databases (ExAC no frequency). In summary, the available evidence is currently insufficient to determine the role of this variant in disease. Therefore, it has been classified as a Variant of Uncertain Significance. Algorithms developed to predict the effect of missense changes on protein structure and function are either unavailable or do not agree on the potential impact of this missense change (SIFT: "Deleterious"; PolyPhen-2: "Benign"; Align-GVGD: "Class C0"). This variant has not been reported in the literature in individuals with RYR2-related conditions.

NM_001035.3(RYR2):c.9703A>T (p.Met3235Leu)

Gene: RYR2 (ryanodine receptor 2; plus strand). Cytogenetic location: 1q43.
Variant type: single nucleotide variant.
Coding change: c.9703A>T on transcript NM_001035.3 (MANE Select); coding-DNA position 9703, A replaced by T.
Protein change: p.Met3235Leu; replaces methionine 3235 with leucine.
Molecular consequence: missense variant.
Genome position (GRCh38, 1-based): chr1:237,707,071, A>T. VCF-style: chr1-237707071-A-T. GRCh37 (hg19) VCF-style: chr1-237870371-A-T.
Other names: short protein forms M3235L.
Identifiers: ClinVar variation 923613 (VCV000923613.17), dbSNP rs773957909, ClinGen allele CA345408602.